The following is an entry in ClinVar:

NM_001365999.1(SZT2):c.6895C>G (p.Leu2299Val)

Gene: SZT2 (SZT2 subunit of KICSTOR complex; plus strand). Cytogenetic location: 1p34.2.
Variant type: single nucleotide variant.
Coding change: c.6895C>G on transcript NM_001365999.1 (MANE Select); coding-DNA position 6895, C replaced by G.
Protein change: p.Leu2299Val; replaces leucine 2299 with valine.
Molecular consequence: missense variant.
Genome position (GRCh38, 1-based): chr1:43,439,622, C>G. VCF-style: chr1-43439622-C-G. GRCh37 (hg19) VCF-style: chr1-43905293-C-G.
Other names: c.6724C>G, p.Leu2242Val (NM_015284.4); short protein forms L2242V, L2299V.
Identifiers: ClinVar variation 936425 (VCV000936425.7), dbSNP rs762982299, ClinGen allele CA810053.

ClinVar aggregate classification (germline): Uncertain significance (1 of 4 stars; one submission).

Allele frequency attached by ClinVar (database versions not stated): ExAC 0.00001; gnomAD exomes 0.00001 and 0.00002.
gnomAD v4.1: 4 of 1,613,986 alleles (0.00025%); highest among the groups gnomAD compares: Admixed American, 0.0033%; no homozygotes.

Submission:

Labcorp Genetics (formerly Invitae), Labcorp
Classification: Uncertain significance. Last evaluated: 2023-12-07. Review status: criteria provided, single submitter. Criteria: Invitae Variant Classification Sherloc (09022015). Collection method: clinical testing. Allele origin: germline.
Comment: This sequence change replaces leucine, which is neutral and non-polar, with valine, which is neutral and non-polar, at codon 2242 of the SZT2 protein (p.Leu2242Val). This variant is present in population databases (rs762982299, gnomAD 0.006%). This variant has not been reported in the literature in individuals affected with SZT2-related conditions. ClinVar contains an entry for this variant (Variation ID: 936425). Advanced modeling of protein sequence and biophysical properties (such as structural, functional, and spatial information, amino acid conservation, physicochemical variation, residue mobility, and thermodynamic stability) performed at Invitae indicates that this missense variant is not expected to disrupt SZT2 protein function with a negative predictive value of 80%. In summary, the available evidence is currently insufficient to determine the role of this variant in disease. Therefore, it has been classified as a Variant of Uncertain Significance.